The following is an entry in ClinVar:

ClinVar aggregate classification (germline): Uncertain significance (1 of 4 stars; one submission).

Submission:

Ambry Genetics
Classification: Uncertain significance. Last evaluated: 2024-02-01. Review status: criteria provided, single submitter. Criteria: Ambry Variant Classification Scheme 2023. Collection method: clinical testing. Allele origin: germline.
Comment: The p.K2227R variant (also known as c.6680A>G), located in coding exon 50 of the PRKDC gene, results from an A to G substitution at nucleotide position 6680. The lysine at codon 2227 is replaced by arginine, an amino acid with highly similar properties. This amino acid position is conserved. Based on the available evidence, the clinical significance of this alteration remains unclear.

NM_006904.7(PRKDC):c.6680A>G (p.Lys2227Arg)

Gene: PRKDC (protein kinase, DNA-activated, catalytic subunit; minus strand). Cytogenetic location: 8q11.21.
Variant type: single nucleotide variant.
Coding change: c.6680A>G on transcript NM_006904.7 (MANE Select); coding-DNA position 6680, A replaced by G.
Protein change: p.Lys2227Arg; replaces lysine 2227 with arginine.
Molecular consequence: missense variant.
Genome position (GRCh38, 1-based): chr8:47,855,303, T>C on the plus strand (A>G on the coding strand, the complement: PRKDC is on the minus strand). VCF-style: chr8-47855303-T-C. GRCh37 (hg19) VCF-style: chr8-48767864-T-C.
Other names: c.6680A>G, p.Lys2227Arg (NM_001081640.2); short protein forms K2227R.
Identifiers: ClinVar variation 3225893 (VCV003225893.1), dbSNP rs2551869486, ClinGen allele CA371159501.